The following is an entry in ClinVar:

ClinVar aggregate classification (germline): Uncertain significance (1 of 4 stars; one submission).

Submission:

Labcorp Genetics (formerly Invitae), Labcorp
Classification: Uncertain significance. Last evaluated: 2024-12-24. Review status: criteria provided, single submitter. Criteria: Invitae Variant Classification Sherloc (09022015). Collection method: clinical testing. Allele origin: germline.
Comment: This sequence change replaces lysine, which is basic and polar, with asparagine, which is neutral and polar, at codon 1030 of the HPS5 protein (p.Lys1030Asn). This variant is present in population databases (rs780853469, gnomAD 0.0009%). This variant has not been reported in the literature in individuals affected with HPS5-related conditions. An algorithm developed to predict the effect of missense changes on protein structure and function (PolyPhen-2) suggests that this variant is likely to be disruptive. In summary, the available evidence is currently insufficient to determine the role of this variant in disease. Therefore, it has been classified as a Variant of Uncertain Significance.

NM_181507.2(HPS5):c.3090G>C (p.Lys1030Asn)

Gene: HPS5 (HPS5 biogenesis of lysosomal organelles complex 2 subunit 2; minus strand). Cytogenetic location: 11p15.1.
Variant type: single nucleotide variant.
Coding change: c.3090G>C on transcript NM_181507.2 (MANE Select); coding-DNA position 3090, G replaced by C.
Protein change: p.Lys1030Asn; replaces lysine 1030 with asparagine.
Molecular consequence: missense variant.
Genome position (GRCh38, 1-based): chr11:18,282,189, C>G on the plus strand (G>C on the coding strand, the complement: HPS5 is on the minus strand). VCF-style: chr11-18282189-C-G. GRCh37 (hg19) VCF-style: chr11-18303736-C-G.
Other names: c.2748G>C, p.Lys916Asn (NM_007216.4, NM_181508.2); short protein forms K916N, K1030N.
Identifiers: ClinVar variation 3727791 (VCV003727791.2).